The following is an entry in ClinVar:

NM_000064.4(C3):c.2455G>C (p.Asp819His)

Gene: C3 (complement C3; minus strand). Cytogenetic location: 19p13.3.
Variant type: single nucleotide variant.
Coding change: c.2455G>C on transcript NM_000064.4 (MANE Select); coding-DNA position 2455, G replaced by C.
Protein change: p.Asp819His; replaces aspartic acid 819 with histidine.
Molecular consequence: missense variant.
Genome position (GRCh38, 1-based): chr19:6,697,780, C>G on the plus strand (G>C on the coding strand, the complement: C3 is on the minus strand). VCF-style: chr19-6697780-C-G. GRCh37 (hg19) VCF-style: chr19-6697791-C-G.
Other names: short protein forms D819H.
Identifiers: ClinVar variation 1369987 (VCV001369987.8), dbSNP rs767161615, ClinGen allele CA9129059.

ClinVar aggregate classification (germline): Uncertain significance (1 of 4 stars; one submission).

Allele frequency attached by ClinVar (database versions not stated): gnomAD exomes below 0.00001 and 0.00001; ExAC 0.00001; gnomAD 0.00001; TOPMed 0.00002.
gnomAD v4.1: 2 of 1,613,326 alleles (0.00012%); highest among the groups gnomAD compares: African/African-American, 0.0013%; no homozygotes.

Submission:

Labcorp Genetics (formerly Invitae), Labcorp
Classification: Uncertain significance. Last evaluated: 2024-11-04. Review status: criteria provided, single submitter. Criteria: Invitae Variant Classification Sherloc (09022015). Collection method: clinical testing. Allele origin: germline.
Comment: This sequence change replaces aspartic acid, which is acidic and polar, with histidine, which is basic and polar, at codon 819 of the C3 protein (p.Asp819His). This variant is present in population databases (rs767161615, gnomAD 0.01%). This variant has not been reported in the literature in individuals affected with C3-related conditions. ClinVar contains an entry for this variant (Variation ID: 1369987). Invitae Evidence Modeling of protein sequence and biophysical properties (such as structural, functional, and spatial information, amino acid conservation, physicochemical variation, residue mobility, and thermodynamic stability) indicates that this missense variant is expected to disrupt C3 protein function with a positive predictive value of 80%. In summary, the available evidence is currently insufficient to determine the role of this variant in disease. Therefore, it has been classified as a Variant of Uncertain Significance.